The following is an entry in ClinVar:

NM_000384.3(APOB):c.2988C>T (p.Thr996=)

Gene: APOB (apolipoprotein B; minus strand). Cytogenetic location: 2p24.1.
Variant type: single nucleotide variant.
Coding change: c.2988C>T on transcript NM_000384.3 (MANE Select); coding-DNA position 2988, C replaced by T.
Protein change: p.Thr996=; no amino-acid change (threonine 996 retained).
Molecular consequence: synonymous variant.
Genome position (GRCh38, 1-based): chr2:21,019,734, G>A on the plus strand (C>T on the coding strand, the complement: APOB is on the minus strand). VCF-style: chr2-21019734-G-A. GRCh37 (hg19) VCF-style: chr2-21242606-G-A.
Other names: p.Thr996=.
Identifiers: ClinVar variation 477806 (VCV000477806.41), dbSNP rs137875230, ClinGen allele CA057667.

ClinVar aggregate classification (germline): Conflicting classifications of pathogenicity. Review status: criteria provided, conflicting classifications (1 of 4 stars). 10 submissions from 9 submitters: Uncertain significance (2); Likely benign (7). 1 of the submissions does not count toward it. Last evaluated 2025-12-14.

Conditions:
Cardiovascular phenotype. Identifiers: MedGen CN230736.
APOB-related disorder. Also called: APOB-related disorders; APOB-related condition.
Hypercholesterolemia, autosomal dominant, type B (FHCL2). Also called: APOB-Related Familial Hypercholesterolemia, Autosomal Dominant; Familial Hypercholesterolemia Type B; Familial hypercholesterolemia 2; Hyperlipoproteinemia Type IIb; APOLIPOPROTEIN B-100, FAMILIAL DEFECTIVE; APOLIPOPROTEIN B-100, FAMILIAL LIGAND-DEFECTIVE. Identifiers: MedGen C1704417, MONDO:0007751, OMIM 144010.
Familial hypobetalipoproteinemia 1. Also called: APOB-Related Familial Hypobetalipoproteinemia; Hypobetalipoproteinemia, normotriglyceridemic; Acanthocytosis with hypobetalipoproteinemia. Identifiers: MedGen C4551990, MONDO:0014252, OMIM 615558.
Familial hypercholesterolemia. Also called: Familial hypercholesterolaemia; Familial hypercholesterolemias. Identifiers: MedGen C0020445, MONDO:0005439.

Allele frequency attached by ClinVar (database versions not stated): gnomAD 0.00021 and 0.00026; gnomAD exomes 0.00025 and 0.00032; ExAC 0.00026; TOPMed 0.00027; 1000 Genomes Project 30x 0.00031; ESP Exome Variant Server 0.00038; 1000 Genomes Project 0.00040.
gnomAD v4.1: 513 of 1,614,060 alleles (0.032%); highest among the groups gnomAD compares: South Asian, 0.082%; no homozygotes.

Submissions (10):

Labcorp Genetics (formerly Invitae), Labcorp
Classification: Likely benign for Familial hypobetalipoproteinemia 1; Hypercholesterolemia, autosomal dominant, type B. Last evaluated: 2025-12-14. Review status: criteria provided, single submitter. Criteria: Invitae Variant Classification Sherloc (09022015). Collection method: clinical testing. Allele origin: germline.

Mayo Clinic Laboratories, Mayo Clinic
Classification: Likely benign. Last evaluated: 2025-02-21. Review status: criteria provided, single submitter. Criteria: ACMG Guidelines, 2015. Collection method: clinical testing. Allele origin: germline. Observed: 1 variant allele.
Comment: BS1, BP4, BP7

CeGaT Center for Human Genetics Tuebingen
Classification: Likely benign. Last evaluated: 2024-10-01. Review status: criteria provided, single submitter. Criteria: CeGaT Center For Human Genetics Tuebingen Variant Classification Criteria Version 2. Collection method: clinical testing. Allele origin: germline. Affected: yes. Observed: 1 variant allele.
Comment: APOB: BP4, BP7

Blueprint Genetics
Classification: Likely benign. Last evaluated: 2024-06-24. Review status: criteria provided, single submitter. Criteria: ACMG Guidelines, 2015. Collection method: clinical testing. Allele origin: germline.

GENinCode PLC
Classification: Likely benign for Familial hypercholesterolemia. Last evaluated: 2023-01-25. Review status: criteria provided, single submitter. Criteria: ACMG Guidelines, 2015. Collection method: clinical testing. Allele origin: germline.
Comment: This is a synonymous (silent) variant that is not predicted by SpliceAI to impact splicing. In addition, it occurs at a nucleotide that is not conserved. Therefore this variant has been classified as Likely Benign (BP4, BP7).

Quest Diagnostics Nichols Institute San Juan Capistrano
Classification: Likely benign. Last evaluated: 2021-02-03. Review status: criteria provided, single submitter. Criteria: Quest Diagnostics criteria. Collection method: clinical testing. Allele origin: unknown.

Ambry Genetics
Classification: Likely benign for Cardiovascular phenotype. Last evaluated: 2019-04-05. Review status: criteria provided, single submitter. Criteria: Ambry Variant Classification Scheme 2023. Collection method: clinical testing. Allele origin: germline.

Illumina Laboratory Services, Illumina
Classification: Uncertain significance for Familial hypobetalipoproteinemia 1. Last evaluated: 2018-01-13. Review status: criteria provided, single submitter. Criteria: ICSL Variant Classification Criteria 13 December 2019. Collection method: clinical testing. Allele origin: germline.

Illumina Laboratory Services, Illumina
Classification: Uncertain significance for Hypercholesterolemia, autosomal dominant, type B. Last evaluated: 2018-01-13. Review status: criteria provided, single submitter. Criteria: ICSL Variant Classification Criteria 13 December 2019. Collection method: clinical testing. Allele origin: germline.

PreventionGenetics, part of Exact Sciences
Classification: Likely benign for APOB-related condition. Last evaluated: 2024-05-31. Review status: no assertion criteria provided. Collection method: clinical testing. Allele origin: germline. Not counted in ClinVar's aggregate classification.
Comment: This variant is classified as likely benign based on ACMG/AMP sequence variant interpretation guidelines (Richards et al. 2015 PMID: 25741868, with internal and published modifications).